The following is an entry in ClinVar:

ClinVar aggregate classification (germline): Uncertain significance. Review status: criteria provided, multiple submitters, no conflicts (2 of 4 stars). 2 submissions from 2 submitters: Uncertain significance (2). Last evaluated 2025-05-19.

Conditions:
Inborn genetic diseases. Identifiers: MedGen C0950123, MeSH D030342.
Klippel-Feil syndrome 1, autosomal dominant (KFS1). Also called: CERVICAL VERTEBRAL FUSION, AUTOSOMAL DOMINANT. Identifiers: Orphanet 2345, MedGen C1861689, MONDO:0007306, OMIM 118100.
Leber congenital amaurosis 17 (LCA17). Identifiers: Orphanet 65, MedGen C3715164, MONDO:0014145, OMIM 615360.
Isolated microphthalmia 4. Identifiers: Orphanet 2542, MedGen C2751307, MONDO:0013130, OMIM 613094.
Microphthalmia, isolated, with coloboma 6 (MCOPCB6). Also called: Microphthalmia with coloboma 6, digenic; Microphthalmia with coloboma 6; MICROPHTHALMIA/COLOBOMA 6. Identifiers: Orphanet 98938, MedGen C3150968, MONDO:0013376, OMIM 613703.

Allele frequency attached by ClinVar (database versions not stated): gnomAD exomes below 0.00001; TOPMed below 0.00001.

Submissions (2):

Ambry Genetics
Classification: Uncertain significance for Inborn genetic diseases. Last evaluated: 2025-05-19. Review status: criteria provided, single submitter. Criteria: Ambry Variant Classification Scheme 2023. Collection method: clinical testing. Allele origin: germline.

Labcorp Genetics (formerly Invitae), Labcorp
Classification: Uncertain significance for Isolated microphthalmia 4; Leber congenital amaurosis 17; Klippel-Feil syndrome 1, autosomal dominant; Microphthalmia, isolated, with coloboma 6. Last evaluated: 2023-08-04. Review status: criteria provided, single submitter. Criteria: Invitae Variant Classification Sherloc (09022015). Collection method: clinical testing. Allele origin: germline.
Comment: In summary, the available evidence is currently insufficient to determine the role of this variant in disease. Therefore, it has been classified as a Variant of Uncertain Significance. An algorithm developed to predict the effect of missense changes on protein structure and function (PolyPhen-2) suggests that this variant is likely to be tolerated. ClinVar contains an entry for this variant (Variation ID: 1502062). This variant has not been reported in the literature in individuals affected with GDF6-related conditions. This variant is not present in population databases (gnomAD no frequency). This sequence change replaces alanine, which is neutral and non-polar, with glutamic acid, which is acidic and polar, at codon 247 of the GDF6 protein (p.Ala247Glu).

NM_001001557.4(GDF6):c.740C>A (p.Ala247Glu)

Gene: GDF6 (growth differentiation factor 6; minus strand). Cytogenetic location: 8q22.1.
Variant type: single nucleotide variant.
Coding change: c.740C>A on transcript NM_001001557.4 (MANE Select); coding-DNA position 740, C replaced by A.
Protein change: p.Ala247Glu; replaces alanine 247 with glutamic acid.
Molecular consequence: missense variant.
Genome position (GRCh38, 1-based): chr8:96,145,191, G>T on the plus strand (C>A on the coding strand, the complement: GDF6 is on the minus strand). VCF-style: chr8-96145191-G-T. GRCh37 (hg19) VCF-style: chr8-97157419-G-T.
Other names: c.740C>A (NM_001001557.2); short protein forms A247E.
Identifiers: ClinVar variation 1502062 (VCV001502062.9), dbSNP rs1228278989, ClinGen allele CA371751958.
Genomic context (GRCh38, chr8:96,145,191, plus strand): 5'-CGGCCGAAGCCCAGACTCCGCAGGTCCGGGGGCGGCGGTTGCTGGGGTCCCCGCGCGCGC[G>T]CCTCGGCCTCCCCGGCGTCCAGCTCGCCCCATGCGGCCCGCAGCTCCAAGCACAGCTGCT-3'
Protein context (NP_001001557.1, residues 237-257): WGELDAGEAE[Ala247Glu]RARGPQQPPP